The following is an entry in ClinVar:

ClinVar aggregate classification (germline): Pathogenic/Likely pathogenic. Review status: criteria provided, multiple submitters, no conflicts (2 of 4 stars). 2 submissions from 2 submitters: Pathogenic (1); Likely pathogenic (1). Last evaluated 2025-06-18.

Conditions:
Hereditary acrodermatitis enteropathica (AEZ). Also called: Acrodermatitis enteropathica. Identifiers: Orphanet 37, MedGen C0221036, MONDO:0008713, OMIM 201100.

Submissions (2):

Natera, Inc.
Classification: Likely pathogenic for Acrodermatitis enteropathica. Last evaluated: 2025-06-18. Review status: criteria provided, single submitter. Criteria: Natera Variant Classification Schema (03/2026). Collection method: clinical testing. Allele origin: germline.
Comment: The c.89_99del variant in SLC39A4 is a frameshift variant predicted to shift the reading frame beginning at codon 30 and leads to a stop codon 45 codons downstream. This variant is expected to result in nonsense mediated decay, truncation, or a dysfunctional protein product. This variant is rare in the general population with a frequency below the threshold expected for the associated phenotype(s). Given the available evidence, this variant is classified as Likely Pathogenic.

Labcorp Genetics (formerly Invitae), Labcorp
Classification: Pathogenic. Last evaluated: 2019-06-11. Review status: criteria provided, single submitter. Criteria: Invitae Variant Classification Sherloc (09022015). Collection method: clinical testing. Allele origin: germline.
Comment: This variant has not been reported in the literature in individuals with SLC39A4-related conditions. For these reasons, this variant has been classified as Pathogenic. Loss-of-function variants in SLC39A4 are known to be pathogenic (PMID: 12955721). This variant is not present in population databases (ExAC no frequency). This sequence change creates a premature translational stop signal (p.Ser30Ilefs*45) in the SLC39A4 gene. It is expected to result in an absent or disrupted protein product.

Literature cited by the submitters: PubMed 12955721 (cited by Labcorp Genetics (formerly Invitae), Labcorp).

NM_130849.4(SLC39A4):c.89_99del (p.Ser30fs)

Gene: SLC39A4 (solute carrier family 39 member 4; minus strand). Cytogenetic location: 8q24.3.
Variant type: Deletion.
Coding change: c.89_99del on transcript NM_130849.4 (MANE Select); coding-DNA positions 89 to 99, 11 bases deleted (GCCTGCTCACC).
Protein change: p.Ser30fs; shifts the reading frame from serine 30.
Molecular consequence: frameshift variant.
Genome position (GRCh38, 1-based): chr8:144,416,691-144,416,701, GGTGAGCAGGC deleted on the plus strand (GCCTGCTCACC on the coding strand, the reverse complement: SLC39A4 is on the minus strand). VCF-style (leftmost placement, unchanged base first): chr8-144416690-AGGTGAGCAGGC-A. GRCh37 (hg19) VCF-style: chr8-145642074-AGGTGAGCAGGC-A.
Other names: c.89_99del, p.Ser30fs (NM_001374839.1); short protein forms S30fs.
Identifiers: ClinVar variation 952106 (VCV000952106.7), dbSNP rs1822218503, ClinGen allele CA1139660830.
Genomic context (GRCh38, chr8:144,416,690, plus strand): 5'-GGTCCGCCAGCGTATTTAACAGGCCGCCCAGAGCCTCTTGATCCAGAGCGCCCTGGCCAG[AGGTGAGCAGGC>A]TCAGCAGACCAGCAGGCGGGGACGCCGTCGCCGTCACCACCAGCACAGCCAGAAGCAGCC-3'